The following is an entry in ClinVar:

NM_016180.5(SLC45A2):c.1043G>A (p.Arg348His)

Gene: SLC45A2 (solute carrier family 45 member 2; minus strand). Cytogenetic location: 5p13.2.
Variant type: single nucleotide variant.
Coding change: c.1043G>A on transcript NM_016180.5 (MANE Select); coding-DNA position 1043, G replaced by A.
Protein change: p.Arg348His; replaces arginine 348 with histidine.
Molecular consequence: missense variant. On other transcripts: synonymous variant (1).
Genome position (GRCh38, 1-based): chr5:33,951,667, C>T on the plus strand (G>A on the coding strand, the complement: SLC45A2 is on the minus strand). VCF-style: chr5-33951667-C-T. GRCh37 (hg19) VCF-style: chr5-33951772-C-T.
Other names: c.1043G>A, p.Arg348His (NM_001012509.4); c.717G>A, p.Pro239= (NM_001297417.4); short protein forms R348H.
Identifiers: ClinVar variation 2046569 (VCV002046569.2), dbSNP rs554113064, ClinGen allele CA3225598.

ClinVar aggregate classification (germline): Uncertain significance (1 of 4 stars; one submission).

gnomAD v4.1: 18 of 1,614,004 alleles (0.0011%); highest among the groups gnomAD compares: African/African-American, 0.004%; no homozygotes.

Submission:

Labcorp Genetics (formerly Invitae), Labcorp
Classification: Uncertain significance. Last evaluated: 2022-11-01. Review status: criteria provided, single submitter. Criteria: Invitae Variant Classification Sherloc (09022015). Collection method: clinical testing. Allele origin: germline.
Comment: In summary, the available evidence is currently insufficient to determine the role of this variant in disease. Therefore, it has been classified as a Variant of Uncertain Significance. Advanced modeling of protein sequence and biophysical properties (such as structural, functional, and spatial information, amino acid conservation, physicochemical variation, residue mobility, and thermodynamic stability) performed at Invitae indicates that this missense variant is not expected to disrupt SLC45A2 protein function. This variant has not been reported in the literature in individuals affected with SLC45A2-related conditions. This variant is present in population databases (rs554113064, gnomAD 0.0009%). This sequence change replaces arginine, which is basic and polar, with histidine, which is basic and polar, at codon 348 of the SLC45A2 protein (p.Arg348His).